The following is an entry in ClinVar:

NM_005045.4(RELN):c.5659A>G (p.Ser1887Gly)

Gene: RELN (reelin; minus strand). Cytogenetic location: 7q22.1.
Variant type: single nucleotide variant.
Coding change: c.5659A>G on transcript NM_005045.4 (MANE Select); coding-DNA position 5659, A replaced by G.
Protein change: p.Ser1887Gly; replaces serine 1887 with glycine.
Molecular consequence: missense variant.
Genome position (GRCh38, 1-based): chr7:103,557,115, T>C on the plus strand (A>G on the coding strand, the complement: RELN is on the minus strand). VCF-style: chr7-103557115-T-C. GRCh37 (hg19) VCF-style: chr7-103197562-T-C.
Other names: c.5659A>G, p.Ser1887Gly (NM_173054.3); short protein forms S1887G.
Identifiers: ClinVar variation 4789002 (VCV004789002.1).
Genomic context (GRCh38, chr7:103,557,115, plus strand): 5'-GTATATTCGTTGTTTGAGGAAAGTAAAATTCATCCATCAGGTGCCAAGTGATTCCTCCAC[T>C]GATGGAGAATTGTAACAGAATAGAGTGAGATCTCTCTGGGGTACCTAGGAAGAAGATAAC-3'
Protein context (NP_005036.2, residues 1877-1897): SHSILLQFSI[Ser1887Gly]GGITWHLMDE

ClinVar aggregate classification (germline): Uncertain significance (1 of 4 stars; one submission).

Conditions:
Norman-Roberts syndrome (LIS2). Also called: Lissencephaly 2 (Norman-Roberts type). Identifiers: Orphanet 89844, MedGen C0796089, MONDO:0009760, OMIM 257320.
Familial temporal lobe epilepsy 7. Identifiers: Orphanet 101046, MedGen C4225327, MONDO:0014639, OMIM 616436.

gnomAD v4.1: 2 of 1,613,784 alleles (0.00012%); highest among the groups gnomAD compares: Admixed American, 0.0033%; no homozygotes.

Submission:

Labcorp Genetics (formerly Invitae), Labcorp
Classification: Uncertain significance for Familial temporal lobe epilepsy 7; Norman-Roberts syndrome. Last evaluated: 2025-03-28. Review status: criteria provided, single submitter. Criteria: Invitae Variant Classification Sherloc (09022015). Collection method: clinical testing. Allele origin: germline.
Comment: This sequence change replaces serine, which is neutral and polar, with glycine, which is neutral and non-polar, at codon 1887 of the RELN protein (p.Ser1887Gly). This variant is present in population databases (rs768771309, gnomAD 0.006%). This variant has not been reported in the literature in individuals affected with RELN-related conditions. Invitae Evidence Modeling of protein sequence and biophysical properties (such as structural, functional, and spatial information, amino acid conservation, physicochemical variation, residue mobility, and thermodynamic stability) indicates that this missense variant is not expected to disrupt RELN protein function with a negative predictive value of 80%. In summary, the available evidence is currently insufficient to determine the role of this variant in disease. Therefore, it has been classified as a Variant of Uncertain Significance.